The following is an entry in ClinVar:

ClinVar aggregate classification (germline): Uncertain significance. Review status: criteria provided, multiple submitters, no conflicts (2 of 4 stars). 5 submissions from 5 submitters: Uncertain significance (4). 1 of the submissions does not count toward it. Last evaluated 2025-05-05.

Conditions:
Dilated cardiomyopathy 1KK (CMD1KK). Identifiers: Orphanet 154, Orphanet 75249, MedGen C3714995, MONDO:0014100, OMIM 615248.
Cardiovascular phenotype. Identifiers: MedGen CN230736.

Submissions (5):

Ambry Genetics
Classification: Uncertain significance for Cardiovascular phenotype. Last evaluated: 2025-05-05. Review status: criteria provided, single submitter. Criteria: Ambry Variant Classification Scheme 2023. Collection method: clinical testing. Allele origin: germline.
Comment: The c.628_630delTCT variant (also known as p.S210del) is located in coding exon 1 of the MYPN gene. This variant results from the in-frame deletion of 3 nucleotides at positions 628 to 630. This results in the in-frame deletion of a serine residue at codon 210. This amino acid position is not well conserved in available vertebrate species. In addition, this alteration is predicted to be neutral by in silico analysis (Choi Y et al. PLoS ONE. 2012; 7(10):e46688). Since supporting evidence is limited at this time, the clinical significance of this alteration remains unclear.

Women's Health and Genetics/Laboratory Corporation of America, LabCorp
Classification: Uncertain significance. Last evaluated: 2025-04-29. Review status: criteria provided, single submitter. Criteria: LabCorp Variant Classification Summary - May 2015. Collection method: clinical testing. Allele origin: germline.
Comment: Variant summary: MYPN c.628_630delTCT (p.Ser210del) results in an in-frame deletion that is predicted to remove one amino acid from the encoded protein. The variant allele was found at a frequency of 1.6e-05 in 251306 control chromosomes. The available data on variant occurrences in the general population are insufficient to allow any conclusion about variant significance. To our knowledge, no occurrence of c.628_630delTCT in individuals affected with Cardiomyopathy and no experimental evidence demonstrating its impact on protein function have been reported. ClinVar contains an entry for this variant (Variation ID: 264245). Based on the evidence outlined above, the variant was classified as uncertain significance.

GeneDx
Classification: Uncertain significance. Last evaluated: 2023-07-18. Review status: criteria provided, single submitter. Criteria: GeneDx Variant Classification Process June 2021. Collection method: clinical testing. Allele origin: germline. Affected: yes.
Comment: Has not been previously published as pathogenic or benign to our knowledge; Not observed at a significant frequency in large population cohorts (gnomAD); In-frame deletion of one amino acid in a non-repeat region; In silico analysis supports that this variant does not alter protein structure/function

Labcorp Genetics (formerly Invitae), Labcorp
Classification: Uncertain significance for Dilated cardiomyopathy 1KK. Last evaluated: 2022-07-26. Review status: criteria provided, single submitter. Criteria: Invitae Variant Classification Sherloc (09022015). Collection method: clinical testing. Allele origin: germline.
Comment: This variant, c.628_630del, results in the deletion of 1 amino acid(s) of the MYPN protein (p.Ser210del), but otherwise preserves the integrity of the reading frame. This variant is present in population databases (rs749944961, gnomAD 0.004%). This variant has not been reported in the literature in individuals affected with MYPN-related conditions. ClinVar contains an entry for this variant (Variation ID: 264245). Experimental studies and prediction algorithms are not available or were not evaluated, and the functional significance of this variant is currently unknown. In summary, the available evidence is currently insufficient to determine the role of this variant in disease. Therefore, it has been classified as a Variant of Uncertain Significance.

Department of Pathology and Laboratory Medicine, Sinai Health System
Classification: Uncertain significance. Review status: no assertion criteria provided. Collection method: clinical testing. Allele origin: unknown. Affected: yes. Study: The Canadian Open Genetics Repository (COGR). Not counted in ClinVar's aggregate classification.
Comment: The MYPN p.S210del variant was not identified in the literature but was identified in dbSNP (ID: rs749944961) and ClinVar (classified as uncertain significance by Ambry Genetics and Invitae). The variant was identified in control databases in 4 of 251306 chromosomes at a frequency of 0.00001592 (Genome Aggregation Database March 6, 2019, v2.1.1). The variant was observed in the European (non-Finnish) population in 4 of 113650 chromosomes (freq: 0.000035), but was not observed in the African, Latino, Ashkenazi Jewish, East Asian, European (Finnish), Other, or South Asian populations. This variant is an in-frame deletion resulting in the removal of a serine (S) residue at codon 210; the impact of this alteration on MYPN protein function is not known. In summary, based on the above information the clinical significance of this variant cannot be determined with certainty at this time. This variant is classified as a variant of uncertain significance.

Literature cited by the submitters: PubMed 22286171 (cited by Ambry Genetics).

NM_032578.4(MYPN):c.625TCT[1] (p.Ser210del)

Gene: MYPN (myopalladin; plus strand). Cytogenetic location: 10q21.3.
Variant type: Microsatellite.
Coding change: c.625TCT[1] on transcript NM_032578.4 (MANE Select); one copy of the 3-base unit TCT starting at c.625; the reference has two copies in a row; one copy, 3 bases deleted.
Protein change: p.Ser210del; deletes serine 210.
Molecular consequence: inframe deletion. On other transcripts: 5 prime UTR variant (1), non-coding transcript variant (1).
Genome position (GRCh38, 1-based): chr10:68,122,066-68,122,068, TCT deleted; deleting any 3 consecutive bases within chr10:68,122,063-68,122,068 gives the same sequence; the position shown is the placement nearest the transcript's 3' end. VCF-style (leftmost placement, unchanged base first): chr10-68122062-ATCT-A. GRCh37 (hg19) VCF-style: chr10-69881819-ATCT-A.
Other names: c.628_630delTCT (NM_032578.3, NM_032578.4); c.625TCT[1], p.Ser210del (NM_001256267.2); c.-498TCT[1] (NM_001256268.2); short protein forms S210del.
Identifiers: ClinVar variation 264245 (VCV000264245.16), dbSNP rs749944961, ClinGen allele CA5522302.